The following is an entry in ClinVar:

NM_001009944.3(PKD1):c.5081A>G (p.His1694Arg)

Gene: PKD1 (polycystin 1, transient receptor potential channel interacting; minus strand). Cytogenetic location: 16p13.3.
Variant type: single nucleotide variant.
Coding change: c.5081A>G on transcript NM_001009944.3 (MANE Select); coding-DNA position 5081, A replaced by G.
Protein change: p.His1694Arg; replaces histidine 1694 with arginine.
Molecular consequence: missense variant.
Genome position (GRCh38, 1-based): chr16:2,110,086, T>C on the plus strand (A>G on the coding strand, the complement: PKD1 is on the minus strand). VCF-style: chr16-2110086-T-C. GRCh37 (hg19) VCF-style: chr16-2160087-T-C.
Other names: c.5081A>G, p.His1694Arg (NM_000296.4); short protein forms H1694R.
Identifiers: ClinVar variation 3418983 (VCV003418983.2).
Genomic context (GRCh38, chr16:2,110,086, plus strand): 5'-AAGTCCATGGTGCAGTCGGCCCAGGCGCTGCCCAGCATGTTGGTGGCCCGCAGCTGCACA[T>C]GGTAGGTGCCGGCCTCGAGCACGGTGAGCGAGAAGCCTTTGCCGCTGCCGGCCAGGGCCG-3'
Protein context (NP_001009944.3, residues 1684-1704): SLTVLEAGTY[His1694Arg]VQLRATNMLG

ClinVar aggregate classification (germline): Uncertain significance. Review status: criteria provided, multiple submitters, no conflicts (2 of 4 stars). 2 submissions from 2 submitters: Uncertain significance (2). Last evaluated 2025-07-28.

Conditions:
Inborn genetic diseases. Identifiers: MedGen C0950123, MeSH D030342.

Submissions (2):

Women's Health and Genetics/Laboratory Corporation of America, LabCorp
Classification: Uncertain significance. Last evaluated: 2025-07-28. Review status: criteria provided, single submitter. Criteria: LabCorp Variant Classification Summary - May 2015. Collection method: clinical testing. Allele origin: germline.
Comment: Variant summary: PKD1 c.5081A>G (p.His1694Arg) results in a non-conservative amino acid change in the encoded protein sequence. Algorithms developed to predict the effect of missense changes on protein structure and function are either unavailable or do not agree on the potential impact of this missense change. The variant allele was found at a frequency of 4.1e-06 in 243922 control chromosomes. The available data on variant occurrences in the general population are insufficient to allow any conclusion about variant significance. To our knowledge, no occurrence of c.5081A>G in individuals affected with PKD1-Biallelic Autosomal Recessive Polycystic Kidney Disease and no experimental evidence demonstrating its impact on protein function have been reported. ClinVar contains an entry for this variant (Variation ID: 3418983). Based on the evidence outlined above, the variant was classified as uncertain significance.

Ambry Genetics
Classification: Uncertain significance for Inborn genetic diseases. Last evaluated: 2024-11-25. Review status: criteria provided, single submitter. Criteria: Ambry Variant Classification Scheme 2023. Collection method: clinical testing. Allele origin: germline.